The following is an entry in ClinVar:

ClinVar aggregate classification (germline): Conflicting classifications of pathogenicity. Review status: criteria provided, conflicting classifications (1 of 4 stars). 4 submissions from 4 submitters: Uncertain significance (3); Likely benign (1). Last evaluated 2026-02-04.

Conditions:
Hereditary cancer-predisposing syndrome. Also called: Tumor predisposition; Neoplastic Syndromes, Hereditary; Hereditary neoplastic syndrome; Hereditary Cancer Syndrome. Identifiers: Orphanet 140162, MedGen C0027672, MeSH D009386, MONDO:0015356.

Allele frequency attached by ClinVar (database versions not stated): 1000 Genomes Project 30x 0.00016; 1000 Genomes Project 0.00020; TOPMed 0.00067; ESP Exome Variant Server 0.00069.
gnomAD v4.1: 156 of 1,614,070 alleles (0.0097%); highest among the groups gnomAD compares: African/African-American, 0.19%; no homozygotes.

Submissions (4):

Labcorp Genetics (formerly Invitae), Labcorp
Classification: Likely benign. Last evaluated: 2026-02-04. Review status: criteria provided, single submitter. Criteria: Invitae Variant Classification Sherloc (09022015). Collection method: clinical testing. Allele origin: germline.

GeneDx
Classification: Uncertain significance. Last evaluated: 2025-11-06. Review status: criteria provided, single submitter. Criteria: GeneDx Variant Classification Process June 2021. Collection method: clinical testing. Allele origin: germline. Affected: yes.
Comment: In silico analysis suggests that this missense variant does not alter protein structure/function; Has not been previously published as pathogenic or benign to our knowledge

Blueprint Genetics
Classification: Uncertain significance. Last evaluated: 2024-09-16. Review status: criteria provided, single submitter. Criteria: ACMG Guidelines, 2015. Collection method: clinical testing. Allele origin: germline.

Sema4
Classification: Uncertain significance for Hereditary cancer-predisposing syndrome. Last evaluated: 2021-06-14. Review status: criteria provided, single submitter. Criteria: Sema4 Curation Guidelines. Collection method: curation. Allele origin: germline.
Comment: The ERCC5 c.1328C>G (p.T443S) variant has not been reported in the literature to our knowledge. It was observed in 60/24936 chromosomes, with no homozygotes, in the African/African American subpopulation in the large and broad cohorts of the Genome Aggregation Database (PMID: 32461654). The variant has not been reported in ClinVar. In silico tools suggest the impact of the variant on protein function is benign, though these predictions have not been confirmed by functional studies. The evidence is insufficient to meet ACMG/AMP criteria for classifying the variant as benign or pathogenic. Thus, the clinical significance of this variant is currently uncertain.

NM_000123.4(ERCC5):c.1328C>G (p.Thr443Ser)

Genes: BIVM-ERCC5 (BIVM-ERCC5 readthrough; plus strand), ERCC5 (ERCC excision repair 5, endonuclease; plus strand). Cytogenetic location: 13q33.1.
Variant type: single nucleotide variant.
Coding change: c.1328C>G on transcript NM_000123.4 (MANE Select); coding-DNA position 1328, C replaced by G.
Protein change: p.Thr443Ser; replaces threonine 443 with serine.
Molecular consequence: missense variant.
Genome position (GRCh38, 1-based): chr13:102,862,477, C>G. VCF-style: chr13-102862477-C-G. GRCh37 (hg19) VCF-style: chr13-103514827-C-G.
Other names: c.2690C>G, p.Thr897Ser (NM_001204425.2); short protein forms T443S, T897S.
Identifiers: ClinVar variation 1692174 (VCV001692174.7), dbSNP rs56109743, ClinGen allele CA7041396.